The following is an entry in ClinVar:

ClinVar aggregate classification (germline): Uncertain significance. Review status: criteria provided, multiple submitters, no conflicts (2 of 4 stars). 2 submissions from 2 submitters: Uncertain significance (2). Last evaluated 2022-10-12.

Conditions:
FG syndrome (FGS). Identifiers: MedGen C0220769, MONDO:0002010.

gnomAD v4.1: 2 of 1,211,539 alleles (0.00017%); highest among the groups gnomAD compares: Non-Finnish European, 0.00022%; no homozygotes.

Submissions (2):

Labcorp Genetics (formerly Invitae), Labcorp
Classification: Uncertain significance for FG syndrome. Last evaluated: 2022-10-12. Review status: criteria provided, single submitter. Criteria: Invitae Variant Classification Sherloc (09022015). Collection method: clinical testing. Allele origin: germline.
Comment: This variant is not present in population databases (gnomAD no frequency). In summary, the available evidence is currently insufficient to determine the role of this variant in disease. Therefore, it has been classified as a Variant of Uncertain Significance. Advanced modeling of protein sequence and biophysical properties (such as structural, functional, and spatial information, amino acid conservation, physicochemical variation, residue mobility, and thermodynamic stability) performed at Invitae indicates that this missense variant is not expected to disrupt MED12 protein function. ClinVar contains an entry for this variant (Variation ID: 1313183). This variant has not been reported in the literature in individuals affected with MED12-related conditions. This sequence change replaces serine, which is neutral and polar, with asparagine, which is neutral and polar, at codon 313 of the MED12 protein (p.Ser313Asn).

GeneDx
Classification: Uncertain significance. Last evaluated: 2020-09-14. Review status: criteria provided, single submitter. Criteria: GeneDx Variant Classification Process June 2021. Collection method: clinical testing. Allele origin: germline. Affected: yes.
Comment: Has not been previously published as pathogenic or benign to our knowledge; Not observed in large population cohorts (Lek et al., 2016); In silico analysis supports that this missense variant does not alter protein structure/function

NM_005120.3(MED12):c.938G>A (p.Ser313Asn)

Gene: MED12 (mediator complex subunit 12; plus strand). Cytogenetic location: Xq13.1.
Variant type: single nucleotide variant.
Coding change: c.938G>A on transcript NM_005120.3 (MANE Select); coding-DNA position 938, G replaced by A.
Protein change: p.Ser313Asn; replaces serine 313 with asparagine.
Molecular consequence: missense variant.
Genome position (GRCh38, 1-based): chrX:71,121,653, G>A. VCF-style: chrX-71121653-G-A. GRCh37 (hg19) VCF-style: chrX-70341503-G-A.
Other names: short protein forms S313N.
Identifiers: ClinVar variation 1313183 (VCV001313183.6), dbSNP rs1317622485, ClinGen allele CA413504682.
Genomic context (GRCh38, chrX:71,121,653, plus strand): 5'-TGTCCCGCCGGCTTGCCTACTTCTGTACACGGAGACTGGCCCTGCAGCTGGATGGTGTGA[G>A]CAGTCACTCATCTCATGTTATATCTGCTCAGTCAACAAGCACGCTACCCACCACCCCTGC-3'
Protein context (NP_005111.2, residues 303-323): RRLALQLDGV[Ser313Asn]SHSSHVISAQ